The following is an entry in ClinVar:

ClinVar aggregate classification (germline): Uncertain significance. Review status: criteria provided, multiple submitters, no conflicts (2 of 4 stars). 2 submissions from 2 submitters: Uncertain significance (2). Last evaluated 2025-05-22.

Conditions:
Hereditary cancer-predisposing syndrome. Also called: Tumor predisposition; Hereditary Cancer Syndrome; Neoplastic Syndromes, Hereditary; Hereditary neoplastic syndrome. Identifiers: Orphanet 140162, MedGen C0027672, MeSH D009386, MONDO:0015356.
Hereditary breast ovarian cancer syndrome. Also called: Hereditary breast and ovarian cancer syndrome; Hereditary breast and ovarian cancer syndrome (HBOC); Hereditary breast and ovarian cancer; Breast and ovarian cancer; BRCA1- and BRCA2-Associated Hereditary Breast and Ovarian Cancer; Hereditary breast and/or ovarian cancer syndrome. Identifiers: Orphanet 145, MedGen C0677776, MeSH D061325, MONDO:0003582. Disease mechanism: loss of function.

Allele frequency attached by ClinVar (database versions not stated): gnomAD exomes below 0.00001.
gnomAD v4.1: 2 of 1,613,730 alleles (0.00012%); highest among the groups gnomAD compares: Non-Finnish European, 0.00017%; no homozygotes.

Submissions (2):

Ambry Genetics
Classification: Uncertain significance for Hereditary cancer-predisposing syndrome. Last evaluated: 2025-05-22. Review status: criteria provided, single submitter. Criteria: Ambry Variant Classification Scheme 2023. Collection method: clinical testing. Allele origin: germline.
Comment: The p.S249F variant (also known as c.746C>T), located in coding exon 8 of the BRCA2 gene, results from a C to T substitution at nucleotide position 746. The serine at codon 249 is replaced by phenylalanine, an amino acid with highly dissimilar properties. This amino acid position is highly conserved in available vertebrate species. In addition, this alteration is predicted to be tolerated by in silico analysis. Based on the available evidence, the clinical significance of this variant remains unclear.

Labcorp Genetics (formerly Invitae), Labcorp
Classification: Uncertain significance for Hereditary breast ovarian cancer syndrome. Last evaluated: 2022-08-29. Review status: criteria provided, single submitter. Criteria: Invitae Variant Classification Sherloc (09022015). Collection method: clinical testing. Allele origin: germline.
Comment: In summary, the available evidence is currently insufficient to determine the role of this variant in disease. Therefore, it has been classified as a Variant of Uncertain Significance. Advanced modeling of protein sequence and biophysical properties (such as structural, functional, and spatial information, amino acid conservation, physicochemical variation, residue mobility, and thermodynamic stability) performed at Invitae indicates that this missense variant is not expected to disrupt BRCA2 protein function. This variant has not been reported in the literature in individuals affected with BRCA2-related conditions. This sequence change replaces serine, which is neutral and polar, with phenylalanine, which is neutral and non-polar, at codon 249 of the BRCA2 protein (p.Ser249Phe). This variant is not present in population databases (gnomAD no frequency).

NM_000059.4(BRCA2):c.746C>T (p.Ser249Phe)

Gene: BRCA2 (BRCA2 DNA repair associated; plus strand). Cytogenetic location: 13q13.1.
Variant type: single nucleotide variant.
Coding change: c.746C>T on transcript NM_000059.4 (MANE Select); coding-DNA position 746, C replaced by T.
Protein change: p.Ser249Phe; replaces serine 249 with phenylalanine.
Molecular consequence: missense variant.
Genome position (GRCh38, 1-based): chr13:32,330,983, C>T. VCF-style: chr13-32330983-C-T. GRCh37 (hg19) VCF-style: chr13-32905120-C-T.
Other names: c.746C>T, p.Ser249Phe (NM_001406719.1, NM_001406720.1, NM_001406721.1); c.377C>T, p.Ser126Phe (NM_001406722.1); short protein forms S126F, S249F.
Identifiers: ClinVar variation 2419919 (VCV002419919.9), dbSNP rs2137461787, ClinGen allele CA387760082.
Genomic context (GRCh38, chr13:32,330,983, plus strand): 5'-TGAAAAGCTATTTTTCCAATCATGATGAAAGTCTGAAGAAAAATGATAGATTTATCGCTT[C>T]TGTGACAGACAGTGAAAACACAAATCAAAGAGAAGCTGCAAGTCATGGTAAGTCCTCTGT-3'
Protein context (NP_000050.3, residues 239-259): SLKKNDRFIA[Ser249Phe]VTDSENTNQR